The following is an entry in ClinVar:

ClinVar aggregate classification (germline): Uncertain significance (1 of 4 stars; one submission).

Conditions:
Cardiovascular phenotype. Identifiers: MedGen CN230736.

Submission:

Ambry Genetics
Classification: Uncertain significance for Cardiovascular phenotype. Last evaluated: 2023-01-05. Review status: criteria provided, single submitter. Criteria: Ambry Variant Classification Scheme 2023. Collection method: clinical testing. Allele origin: germline.
Comment: The p.D55G variant (also known as c.164A>G), located in coding exon 2 of the CAV3 gene, results from an A to G substitution at nucleotide position 164. The aspartic acid at codon 55 is replaced by glycine, an amino acid with similar properties. This amino acid position is conserved. In addition, this alteration is predicted to be deleterious by in silico analysis. Since supporting evidence is limited at this time, the clinical significance of this alteration remains unclear.

NM_033337.3(CAV3):c.164A>G (p.Asp55Gly)

Genes: CAV3 (caveolin 3; plus strand), OXTR (oxytocin receptor; minus strand). Cytogenetic location: 3p25.3.
Variant type: single nucleotide variant.
Coding change: c.164A>G on transcript NM_033337.3 (MANE Select); coding-DNA position 164, A replaced by G.
Protein change: p.Asp55Gly; replaces aspartic acid 55 with glycine.
Molecular consequence: missense variant.
Genome position (GRCh38, 1-based): chr3:8,745,575, A>G. VCF-style: chr3-8745575-A-G. GRCh37 (hg19) VCF-style: chr3-8787261-A-G.
Other names: c.164A>G, p.Asp55Gly (NM_001234.5); short protein forms D55G.
Identifiers: ClinVar variation 2452812 (VCV002452812.2), dbSNP rs2470061980, ClinGen allele CA351663208.